The following is an entry in ClinVar:

NM_012186.3(FOXE3):c.167C>T (p.Ala56Val)

Genes: FOXE3 (forkhead box E3; plus strand), LINC01389 (long independently transcribed non-coding RNA 1389; minus strand). Cytogenetic location: 1p33.
Variant type: single nucleotide variant.
Coding change: c.167C>T on transcript NM_012186.3 (MANE Select); coding-DNA position 167, C replaced by T.
Protein change: p.Ala56Val; replaces alanine 56 with valine.
Molecular consequence: missense variant.
Genome position (GRCh38, 1-based): chr1:47,416,482, C>T. VCF-style: chr1-47416482-C-T. GRCh37 (hg19) VCF-style: chr1-47882154-C-T.
Other names: short protein forms A56V.
Identifiers: ClinVar variation 1509375 (VCV001509375.6), dbSNP rs2124041820, ClinGen allele CA340249166.

ClinVar aggregate classification (germline): Uncertain significance (1 of 4 stars; one submission).

Conditions:
Anterior segment dysgenesis. Also called: Ocular anterior segment dysgenesis. Identifiers: Orphanet 88632, MedGen C1862839, MONDO:0019503, HP:0007700.
Congenital primary aphakia. Also called: ANTERIOR SEGMENT DYSGENESIS 2; Anterior segment dysgenesis 2, multiple subtypes. Identifiers: Orphanet 83461, MedGen C1853230, MONDO:0012456, OMIM 610256.

Submission:

Labcorp Genetics (formerly Invitae), Labcorp
Classification: Uncertain significance for Anterior segment dysgenesis; Congenital primary aphakia. Last evaluated: 2023-07-17. Review status: criteria provided, single submitter. Criteria: Invitae Variant Classification Sherloc (09022015). Collection method: clinical testing. Allele origin: germline.
Comment: This sequence change replaces alanine, which is neutral and non-polar, with valine, which is neutral and non-polar, at codon 56 of the FOXE3 protein (p.Ala56Val). The frequency data for this variant in the population databases is considered unreliable, as metrics indicate insufficient coverage at this position in the gnomAD database. This variant has not been reported in the literature in individuals affected with FOXE3-related conditions. ClinVar contains an entry for this variant (Variation ID: 1509375). Advanced modeling of protein sequence and biophysical properties (such as structural, functional, and spatial information, amino acid conservation, physicochemical variation, residue mobility, and thermodynamic stability) performed at Invitae indicates that this missense variant is not expected to disrupt FOXE3 protein function. In summary, the available evidence is currently insufficient to determine the role of this variant in disease. Therefore, it has been classified as a Variant of Uncertain Significance.